The following is an entry in ClinVar:

ClinVar aggregate classification (germline): Uncertain significance. Review status: criteria provided, single submitter (1 of 4 stars). 2 submissions from 2 submitters: Uncertain significance (1). 1 of the submissions does not count toward it. Last evaluated 2026-08-01.

Submissions (3):

CeGaT Center for Human Genetics Tuebingen
Classification: Uncertain significance. Last evaluated: 2026-08-01. Review status: criteria provided, single submitter. Criteria: CeGaT Center For Human Genetics Tuebingen Variant Classification Criteria Version 2. Collection method: clinical testing. Allele origin: germline. Affected: yes. Observed: 1 variant allele.
Comment: PDHA1: PM2:Supporting

Mayo Clinic Laboratories, Mayo Clinic
Classification: Likely benign. Last evaluated: 2016-02-26. Review status: no assertion criteria provided. Collection method: clinical testing. Allele origin: unknown. Not counted in ClinVar's aggregate classification.

Dr. Peter K. Rogan Lab, Western University
No classification provided (evidence only). Condition: Thyroid cancer, nonmedullary, 1. Review status: no classification provided. Collection method: in vitro. Allele origin: not applicable. Functional consequence: skipped exon. Not counted in ClinVar's aggregate classification.

NM_000284.4(PDHA1):c.489C>T (p.Gly163=)

Gene: PDHA1 (pyruvate dehydrogenase E1 subunit alpha 1; plus strand). Cytogenetic location: Xp22.12.
Variant type: single nucleotide variant.
Coding change: c.489C>T on transcript NM_000284.4 (MANE Select); coding-DNA position 489, C replaced by T.
Protein change: p.Gly163=; no amino-acid change (glycine 163 retained).
Molecular consequence: synonymous variant.
Genome position (GRCh38, 1-based): chrX:19,353,152, C>T. VCF-style: chrX-19353152-C-T. GRCh37 (hg19) VCF-style: chrX-19371270-C-T.
Other names: NC_000023.10:g.19371270C>T; c.603C>T, p.Gly201= (NM_001173454.2); c.510C>T, p.Gly170= (NM_001173455.2); c.489C>T, p.Gly163= (NM_001173456.2).
Identifiers: ClinVar variation 559326 (VCV000559326.7), dbSNP rs1555933962, ClinGen allele CA515485896.
Genomic context (GRCh38, chrX:19,353,152, plus strand): 5'-AGGTTGTGCTAAAGGGAAAGGAGGATCGATGCACATGTATGCCAAGAACTTCTACGGGGG[C>T]AATGGCATCGTGGGAGCGCAGGTAGTCAAGGACGAGGATTGTGTGCTGCTTTAGATTTGG-3'
Protein context (NP_000275.1, residues 153-173): MHMYAKNFYG[Gly163=]NGIVGAQVPL